The following is an entry in ClinVar:

NM_000051.4(ATM):c.2897_2899delinsGCCAA (p.Val966fs)

Gene: ATM (ATM serine/threonine kinase; plus strand). Cytogenetic location: 11q22.3.
Variant type: Indel.
Coding change: c.2897_2899delinsGCCAA on transcript NM_000051.4 (MANE Select); coding-DNA positions 2897 to 2899, TTC replaced by GCCAA.
Protein change: p.Val966fs; shifts the reading frame from valine 966.
Molecular consequence: frameshift variant.
Genome position (GRCh38, 1-based): chr11:108,271,122-108,271,124, TTC replaced by GCCAA. VCF-style: chr11-108271122-TTC-GCCAA. GRCh37 (hg19) VCF-style: chr11-108141849-TTC-GCCAA.
Other names: c.2897_2899delTTCinsGCCAA (NM_000051.3); c.2897_2899delinsGCCAA, p.Val966fs (NM_001351834.2); short protein forms V966fs.
Identifiers: ClinVar variation 181872 (VCV000181872.2), dbSNP rs730881301, ClinGen allele CA298015.

ClinVar aggregate classification (germline): Pathogenic (1 of 4 stars; one submission).

Submission:

GeneDx
Classification: Pathogenic. Last evaluated: 2014-06-03. Review status: criteria provided, single submitter. Criteria: GeneDx Variant Classification (06012015). Collection method: clinical testing. Allele origin: germline. Affected: yes.
Comment: This combined deletion and insertion is denoted ATM c.2897_2899delTTCinsGCCAA at the cDNA level and p.Val966GlyfsX6 (V966GfsX6) at the protein level. The normal sequence, with the bases that are deleted and inserted in brackets, is GATG[delTTC][insGCCAA]TTGA. The variant causes a frameshift, which changes a Valine to a Glycine at codon 966, and creates a premature stop codon at position 6 of the new reading frame. Although this variant has not, to our knowledge, been reported in the literature, it is predicted to cause loss of normal protein function through either protein truncation or nonsense-mediated mRNA decay. we consider this variant to be pathogenic.